The following is an entry in ClinVar:

NM_032043.3(BRIP1):c.3740G>A (p.Gly1247Asp)

Gene: BRIP1 (BRCA1 interacting DNA helicase 1; minus strand). Cytogenetic location: 17q23.2.
Variant type: single nucleotide variant.
Coding change: c.3740G>A on transcript NM_032043.3 (MANE Select); coding-DNA position 3740, G replaced by A.
Protein change: p.Gly1247Asp; replaces glycine 1247 with aspartic acid.
Molecular consequence: missense variant.
Genome position (GRCh38, 1-based): chr17:61,683,306, C>T on the plus strand (G>A on the coding strand, the complement: BRIP1 is on the minus strand). VCF-style: chr17-61683306-C-T. GRCh37 (hg19) VCF-style: chr17-59760667-C-T.
Other names: short protein forms G1247D.
Identifiers: ClinVar variation 1348090 (VCV001348090.9), dbSNP rs2144065748, ClinGen allele CA400477709.
Genomic context (GRCh38, chr17:61,683,306, plus strand): 5'-TAACATAAGCATGATGACATATTTTTACTTAGCTTGAGAGTTAAGTATTATTACTTAAAA[C>T]CAGGAAACATGCCTTTATTTTTGGAAGGAGATGGTTTAAAGTTCTTTATTTCTATTTCAT-3'
Protein context (NP_114432.2, residues 1237-1249): SPSKNKGMFP[Gly1247Asp]FK

ClinVar aggregate classification (germline): Uncertain significance (1 of 4 stars; one submission).

Conditions:
Familial cancer of breast. Also called: BREAST CANCER, FAMILIAL; hereditary breast carcinoma; Hereditary breast cancer. Identifiers: Orphanet 227535, MedGen C0346153, MONDO:0016419, OMIM 114480. Disease mechanism: loss of function.
Fanconi anemia complementation group J. Also called: BRIP1-Related Fanconi Anemia. Identifiers: Orphanet 84, MedGen C1836860, MONDO:0012187, OMIM 609054.

Submission:

Labcorp Genetics (formerly Invitae), Labcorp
Classification: Uncertain significance for Familial cancer of breast; Fanconi anemia complementation group J. Last evaluated: 2025-11-10. Review status: criteria provided, single submitter. Criteria: Invitae Variant Classification Sherloc (09022015). Collection method: clinical testing. Allele origin: germline.
Comment: This sequence change replaces glycine, which is neutral and non-polar, with aspartic acid, which is acidic and polar, at codon 1247 of the BRIP1 protein (p.Gly1247Asp). This variant is not present in population databases (gnomAD no frequency). This variant has not been reported in the literature in individuals affected with BRIP1-related conditions. ClinVar contains an entry for this variant (Variation ID: 1348090). Invitae Evidence Modeling of protein sequence and biophysical properties (such as structural, functional, and spatial information, amino acid conservation, physicochemical variation, residue mobility, and thermodynamic stability) indicates that this missense variant is not expected to disrupt BRIP1 protein function with a negative predictive value of 95%. In summary, the available evidence is currently insufficient to determine the role of this variant in disease. Therefore, it has been classified as a Variant of Uncertain Significance.